The following is an entry in ClinVar:

ClinVar aggregate classification (germline): Uncertain significance (1 of 4 stars; one submission).

Allele frequency attached by ClinVar (database versions not stated): ExAC 0.00002; gnomAD 0.00006; TOPMed 0.00007; gnomAD exomes 0.00001.
gnomAD v4.1: 14 of 1,614,056 alleles (0.00087%); highest among the groups gnomAD compares: African/African-American, 0.016%; no homozygotes.

Submission:

Women's Health and Genetics/Laboratory Corporation of America, LabCorp
Classification: Uncertain significance. Last evaluated: 2023-10-16. Review status: criteria provided, single submitter. Criteria: LabCorp Variant Classification Summary - May 2015. Collection method: clinical testing. Allele origin: germline.
Comment: Variant summary: FAT2 c.7359G>T (p.Arg2453Ser) results in a non-conservative amino acid change located in the Cadherin-like domain (IPR002126) of the encoded protein sequence. Three of five in-silico tools predict a damaging effect of the variant on protein function. The variant allele was found at a frequency of 2.8e-05 in 251398 control chromosomes. The available data on variant occurrences in the general population are insufficient to allow any conclusion about variant significance. To our knowledge, no occurrence of c.7359G>T in individuals affected with Spinocerebellar Ataxia 45 and no experimental evidence demonstrating its impact on protein function have been reported. No submitters have cited clinical-significance assessments for this variant to ClinVar after 2014. Based on the evidence outlined above, the variant was classified as uncertain significance.

NM_001447.3(FAT2):c.7359G>T (p.Arg2453Ser)

Genes: FAT2 (FAT atypical cadherin 2; minus strand), SLC36A1 (solute carrier family 36 member 1; plus strand). Cytogenetic location: 5q33.1.
Variant type: single nucleotide variant.
Coding change: c.7359G>T on transcript NM_001447.3 (MANE Select); coding-DNA position 7359, G replaced by T.
Protein change: p.Arg2453Ser; replaces arginine 2453 with serine.
Molecular consequence: missense variant.
Genome position (GRCh38, 1-based): chr5:151,543,768, C>A on the plus strand (G>T on the coding strand, the complement: FAT2 is on the minus strand). VCF-style: chr5-151543768-C-A. GRCh37 (hg19) VCF-style: chr5-150923329-C-A.
Other names: short protein forms R2453S.
Identifiers: ClinVar variation 2637747 (VCV002637747.1), dbSNP rs749401703, ClinGen allele CA3520978.